The following is an entry in ClinVar:

NM_001082486.2(ACD):c.1034C>T (p.Thr345Ile)

Gene: ACD (ACD shelterin complex subunit and telomerase recruitment factor; minus strand). Cytogenetic location: 16q22.1.
Variant type: single nucleotide variant.
Coding change: c.1034C>T on transcript NM_001082486.2 (MANE Select); coding-DNA position 1034, C replaced by T.
Protein change: p.Thr345Ile; replaces threonine 345 with isoleucine.
Molecular consequence: missense variant.
Genome position (GRCh38, 1-based): chr16:67,658,158, G>A on the plus strand (C>T on the coding strand, the complement: ACD is on the minus strand). VCF-style: chr16-67658158-G-A. GRCh37 (hg19) VCF-style: chr16-67692061-G-A.
Other names: c.947C>T, p.Thr316Ile (NM_001410884.1); c.1025C>T, p.Thr342Ile (NM_022914.3); short protein forms T345I, T342I, T316I.
Identifiers: ClinVar variation 3480074 (VCV003480074.2).
Genomic context (GRCh38, chr16:67,658,158, plus strand): 5'-GGCCTGGTCACAAGAGCCTGGTGTGGACTGGGGACATGGCTACGGGGTGAGAGACTGGGA[G>A]TGCAGCTCTGGAGTGGGGAGCTGGGGGTACGGCTGGCGTGTGGGGACCTGGGGGTCAGGG-3'
Protein context (NP_001075955.2, residues 335-355): RTPSSPLQSC[Thr345Ile]PSLSPRSHVP

ClinVar aggregate classification (germline): Uncertain significance. Review status: criteria provided, multiple submitters, no conflicts (2 of 4 stars). 2 submissions from 2 submitters: Uncertain significance (2). Last evaluated 2024-07-13.

Conditions:
Inborn genetic diseases. Identifiers: MedGen C0950123, MeSH D030342.

Submissions (2):

Ambry Genetics
Classification: Uncertain significance for Inborn genetic diseases. Last evaluated: 2024-07-13. Review status: criteria provided, single submitter. Criteria: Ambry Variant Classification Scheme 2023. Collection method: clinical testing. Allele origin: germline.
Comment: The p.T431I variant (also known as c.1292C>T), located in coding exon 10 of the ACD gene, results from a C to T substitution at nucleotide position 1292. The threonine at codon 431 is replaced by isoleucine, an amino acid with similar properties. This amino acid position is conserved. In addition, this alteration is predicted to be tolerated by in silico analysis. Based on the available evidence, the clinical significance of this variant remains unclear.

Blueprint Genetics
Classification: Uncertain significance. Last evaluated: 2020-01-23. Review status: criteria provided, single submitter. Criteria: ACMG Guidelines, 2015. Collection method: clinical testing. Allele origin: germline.